The following is an entry in ClinVar:

NM_004341.5(CAD):c.4966G>A (p.Gly1656Arg)

Gene: CAD (carbamoyl-phosphate synthetase 2, aspartate transcarbamylase, and dihydroorotase; plus strand). Cytogenetic location: 2p23.3.
Variant type: single nucleotide variant.
Coding change: c.4966G>A on transcript NM_004341.5 (MANE Select); coding-DNA position 4966, G replaced by A.
Protein change: p.Gly1656Arg; replaces glycine 1656 with arginine.
Molecular consequence: missense variant.
Genome position (GRCh38, 1-based): chr2:27,238,536, G>A. VCF-style: chr2-27238536-G-A. GRCh37 (hg19) VCF-style: chr2-27461404-G-A.
Other names: c.4777G>A, p.Gly1593Arg (NM_001306079.2); c.4966G>A (NM_004341.3); short protein forms G1656R, G1593R.
Identifiers: ClinVar variation 1956819 (VCV001956819.5), dbSNP rs375291650, ClinGen allele CA1573710.

ClinVar aggregate classification (germline): Uncertain significance. Review status: criteria provided, multiple submitters, no conflicts (2 of 4 stars). 2 submissions from 2 submitters: Uncertain significance (2). Last evaluated 2024-03-25.

Conditions:
Inborn genetic diseases. Identifiers: MedGen C0950123, MeSH D030342.

Allele frequency attached by ClinVar (database versions not stated): ExAC 0.00002; TOPMed 0.00002; gnomAD 0.00003; ESP Exome Variant Server 0.00008; 1000 Genomes Project 0.00020; 1000 Genomes Project 30x 0.00031.

Submissions (2):

Ambry Genetics
Classification: Uncertain significance for Inborn genetic diseases. Last evaluated: 2024-03-25. Review status: criteria provided, single submitter. Criteria: Ambry Variant Classification Scheme 2023. Collection method: clinical testing. Allele origin: germline.

Labcorp Genetics (formerly Invitae), Labcorp
Classification: Uncertain significance. Last evaluated: 2024-02-23. Review status: criteria provided, single submitter. Criteria: Invitae Variant Classification Sherloc (09022015). Collection method: clinical testing. Allele origin: germline.
Comment: This sequence change replaces glycine, which is neutral and non-polar, with arginine, which is basic and polar, at codon 1656 of the CAD protein (p.Gly1656Arg). This variant is present in population databases (rs375291650, gnomAD 0.01%). This variant has not been reported in the literature in individuals affected with CAD-related conditions. ClinVar contains an entry for this variant (Variation ID: 1956819). An algorithm developed to predict the effect of missense changes on protein structure and function (PolyPhen-2) suggests that this variant is likely to be tolerated. In summary, the available evidence is currently insufficient to determine the role of this variant in disease. Therefore, it has been classified as a Variant of Uncertain Significance.